The following is an entry in ClinVar:

NM_003628.6(PKP4):c.2539G>A (p.Ala847Thr)

Genes: PKP4 (plakophilin 4; plus strand), PKP4-AS1 (PKP4 antisense RNA 1; minus strand). Cytogenetic location: 2q24.1.
Variant type: single nucleotide variant.
Coding change: c.2539G>A on transcript NM_003628.6 (MANE Select); coding-DNA position 2539, G replaced by A.
Protein change: p.Ala847Thr; replaces alanine 847 with threonine.
Molecular consequence: missense variant.
Genome position (GRCh38, 1-based): chr2:158,663,407, G>A. VCF-style: chr2-158663407-G-A. GRCh37 (hg19) VCF-style: chr2-159519919-G-A.
Other names: c.2539G>A, p.Ala847Thr (NM_001005476.4, NM_001304971.2, NM_001377218.1 and 1 more transcripts); c.2536G>A, p.Ala846Thr (NM_001304969.3, NM_001377219.1, NM_001377220.1 and 2 more transcripts); c.1510G>A, p.Ala504Thr (NM_001304970.3); c.2533G>A, p.Ala845Thr (NM_001377222.1, NM_001377223.1); c.2530G>A, p.Ala844Thr (NM_001377224.1); short protein forms A844T, A847T, A504T, A845T, A846T.
Identifiers: ClinVar variation 3419636 (VCV003419636.1).

ClinVar aggregate classification (germline): Uncertain significance (1 of 4 stars; one submission).

gnomAD v4.1: 1 of 1,614,138 alleles (0.000062%); highest among the groups gnomAD compares: Non-Finnish European, 0.000085%; no homozygotes.

Submission:

Ambry Genetics
Classification: Uncertain significance. Last evaluated: 2024-11-01. Review status: criteria provided, single submitter. Criteria: Ambry Variant Classification Scheme 2023. Collection method: clinical testing. Allele origin: germline.
Comment: The p.A847T variant (also known as c.2539G>A), located in coding exon 14 of the PKP4 gene, results from a G to A substitution at nucleotide position 2539. The alanine at codon 847 is replaced by threonine, an amino acid with similar properties. This amino acid position is conserved. In addition, this alteration is predicted to be deleterious by in silico analysis. Based on the available evidence, the clinical significance of this variant remains unclear.